The following is an entry in ClinVar:

NM_001145809.2(MYH14):c.3079C>T (p.Leu1027=)

Gene: MYH14 (myosin heavy chain 14; plus strand). Cytogenetic location: 19q13.33.
Variant type: single nucleotide variant.
Coding change: c.3079C>T on transcript NM_001145809.2 (MANE Select); coding-DNA position 3079, C replaced by T.
Protein change: p.Leu1027=; no amino-acid change (leucine 1027 retained).
Molecular consequence: synonymous variant.
Genome position (GRCh38, 1-based): chr19:50,271,454, C>T. VCF-style: chr19-50271454-C-T. GRCh37 (hg19) VCF-style: chr19-50774711-C-T.
Other names: c.2980C>T, p.Leu994= (NM_001077186.2); c.2956C>T, p.Leu986= (NM_024729.4).
Identifiers: ClinVar variation 286961 (VCV000286961.30), dbSNP rs113152264, ClinGen allele CA9593108.

ClinVar aggregate classification (germline): Benign/Likely benign. Review status: criteria provided, multiple submitters, no conflicts (2 of 4 stars). 9 submissions from 9 submitters: Benign (4); Likely benign (5). Last evaluated 2026-03-23.

Conditions:
Autosomal dominant nonsyndromic hearing loss 4A. Also called: Deafness, autosomal dominant 4A. Identifiers: Orphanet 90635, MedGen C1833503, MONDO:0010915, OMIM 600652.

Allele frequency attached by ClinVar (database versions not stated): 1000 Genomes Project 0.00140; ESP Exome Variant Server 0.00170; 1000 Genomes Project 30x 0.00172; gnomAD 0.00194 and 0.00210; TOPMed 0.00202; gnomAD exomes 0.00017 and 0.00039; ExAC 0.00073.
gnomAD v4.1: 554 of 1,607,850 alleles (0.034%); highest among the groups gnomAD compares: African/African-American, 0.65%; no homozygotes.

Submissions (9):

Women's Health and Genetics/Laboratory Corporation of America, LabCorp
Classification: Benign. Last evaluated: 2026-03-23. Review status: criteria provided, single submitter. Criteria: LabCorp Variant Classification Summary - May 2015. Collection method: clinical testing. Allele origin: germline.

CeGaT Center for Human Genetics Tuebingen
Classification: Likely benign. Last evaluated: 2025-12-01. Review status: criteria provided, single submitter. Criteria: CeGaT Center For Human Genetics Tuebingen Variant Classification Criteria Version 2. Collection method: clinical testing. Allele origin: germline. Affected: yes. Observed: 1 variant allele.
Comment: MYH14: BP4, BP7, BS1

Labcorp Genetics (formerly Invitae), Labcorp
Classification: Benign. Last evaluated: 2025-11-18. Review status: criteria provided, single submitter. Criteria: Invitae Variant Classification Sherloc (09022015). Collection method: clinical testing. Allele origin: germline.

Blueprint Genetics
Classification: Likely benign. Last evaluated: 2024-10-31. Review status: criteria provided, single submitter. Criteria: ACMG Guidelines, 2015. Collection method: clinical testing. Allele origin: germline.

GeneDx
Classification: Likely benign. Last evaluated: 2021-06-22. Review status: criteria provided, single submitter. Criteria: GeneDx Variant Classification Process June 2021. Collection method: clinical testing. Allele origin: germline. Affected: yes.
Comment: This variant is associated with the following publications: (PMID: 27535533)

Illumina Laboratory Services, Illumina
Classification: Benign for Autosomal dominant nonsyndromic hearing loss 4A. Last evaluated: 2018-01-13. Review status: criteria provided, single submitter. Criteria: ICSL Variant Classification Criteria 13 December 2019. Collection method: clinical testing. Allele origin: germline.
Comment: This variant was observed in the ICSL laboratory as part of a predisposition screen in an ostensibly healthy population. It had not been previously curated by ICSL or reported in the Human Gene Mutation Database (HGMD: prior to June 1st, 2018), and was therefore a candidate for classification through an automated scoring system. Utilizing variant allele frequency, disease prevalence and penetrance estimates, and inheritance mode, an automated score was calculated to assess if this variant is too frequent to cause the disease. Based on the score and internal cut-off values, a variant classified as benign is not then subjected to further curation. The score for this variant resulted in a classification of benign for this disease.

Eurofins Ntd Llc (ga)
Classification: Benign. Last evaluated: 2016-04-07. Review status: criteria provided, single submitter. Criteria: EGL Classification Definitions 2015. Collection method: clinical testing. Allele origin: germline. Observed: 1 variant allele, 1 heterozygote.

Laboratory for Molecular Medicine, Mass General Brigham Personalized Medicine
Classification: Likely benign. Last evaluated: 2012-04-30. Review status: criteria provided, single submitter. Criteria: LMM Criteria. Collection method: clinical testing. Allele origin: germline. Observed: 1 variant allele.
Comment: Leu1027Leu in Exon 25 of MYH14: This variant is not expected to have clinical si gnificance because it does not alter an amino acid residue, is not located withi n the splice consensus sequence, and has been identified in 0.5% (19/3704) of Af rican American chromosomes from a broad population by the NHLBI Exome Sequencing Project (dbSNP rs113152264).

Breakthrough Genomics
Classification: Likely benign. Review status: criteria provided, single submitter. Criteria: ACMG Guidelines, 2015. Collection method: not provided. Allele origin: germline. Inheritance: Autosomal dominant inheritance. Affected: yes.